The following is an entry in ClinVar:

NM_001351303.2(ZDHHC11B):c.576C>T (p.Leu192=)

Gene: ZDHHC11B (zDHHC palmitoyltransferase 11B (putative); minus strand). Cytogenetic location: 5p15.33.
Variant type: single nucleotide variant.
Coding change: c.576C>T on transcript NM_001351303.2 (MANE Select); coding-DNA position 576, C replaced by T.
Protein change: p.Leu192=; no amino-acid change (leucine 192 retained).
Molecular consequence: synonymous variant. On other transcripts: non-coding transcript variant (2).
Genome position (GRCh38, 1-based): chr5:751,185, G>A on the plus strand (C>T on the coding strand, the complement: ZDHHC11B is on the minus strand). VCF-style: chr5-751185-G-A. GRCh37 (hg19) VCF-style: chr5-751300-G-A.
Identifiers: ClinVar variation 2655255 (VCV002655255.24), dbSNP rs577707495, ClinGen allele CA3177874.

ClinVar aggregate classification (germline): Likely benign (1 of 4 stars; one submission).

Allele frequency attached by ClinVar (database versions not stated): 1000 Genomes Project 30x 0.00031; 1000 Genomes Project 0.00040; gnomAD 0.00066; ExAC 0.00231; gnomAD exomes 0.00250.
gnomAD v4.1: 3,120 of 1,310,064 alleles (0.24%); highest among the groups gnomAD compares: Non-Finnish European, 0.27%; 632 homozygotes.

Submission:

CeGaT Center for Human Genetics Tuebingen
Classification: Likely benign. Last evaluated: 2022-10-01. Review status: criteria provided, single submitter. Criteria: CeGaT Center For Human Genetics Tuebingen Variant Classification Criteria Version 2. Collection method: clinical testing. Allele origin: germline. Affected: yes. Observed: 1 variant allele.
Comment: ZDHHC11B: BP4, BP7